The following is an entry in ClinVar:

NM_001365999.1(SZT2):c.9533A>G (p.Glu3178Gly)

Genes: SZT2 (SZT2 subunit of KICSTOR complex; plus strand), SZT2-AS1 (SZT2 antisense RNA 1; minus strand). Cytogenetic location: 1p34.2.
Variant type: single nucleotide variant.
Coding change: c.9533A>G on transcript NM_001365999.1 (MANE Select); coding-DNA position 9533, A replaced by G.
Protein change: p.Glu3178Gly; replaces glutamic acid 3178 with glycine.
Molecular consequence: missense variant.
Genome position (GRCh38, 1-based): chr1:43,447,941, A>G. VCF-style: chr1-43447941-A-G. GRCh37 (hg19) VCF-style: chr1-43913612-A-G.
Other names: c.9362A>G, p.Glu3121Gly (NM_015284.4); c.974A>G, p.Glu325Gly (NM_024547.1); short protein forms E3178G, E3121G, E325G.
Identifiers: ClinVar variation 1996401 (VCV001996401.4), dbSNP rs2545868869, ClinGen allele CA340043616.

ClinVar aggregate classification (germline): Uncertain significance (1 of 4 stars; one submission).

Submission:

Labcorp Genetics (formerly Invitae), Labcorp
Classification: Uncertain significance. Last evaluated: 2024-02-17. Review status: criteria provided, single submitter. Criteria: Invitae Variant Classification Sherloc (09022015). Collection method: clinical testing. Allele origin: germline.
Comment: This sequence change replaces glutamic acid, which is acidic and polar, with glycine, which is neutral and non-polar, at codon 3121 of the SZT2 protein (p.Glu3121Gly). This variant is not present in population databases (gnomAD no frequency). This variant has not been reported in the literature in individuals affected with SZT2-related conditions. ClinVar contains an entry for this variant (Variation ID: 1996401). Advanced modeling of protein sequence and biophysical properties (such as structural, functional, and spatial information, amino acid conservation, physicochemical variation, residue mobility, and thermodynamic stability) has been performed at Invitae for this missense variant, however the output from this modeling did not meet the statistical confidence thresholds required to predict the impact of this variant on SZT2 protein function. Algorithms developed to predict the effect of sequence changes on RNA splicing suggest that this variant may disrupt the consensus splice site. In summary, the available evidence is currently insufficient to determine the role of this variant in disease. Therefore, it has been classified as a Variant of Uncertain Significance.